The following is an entry in ClinVar:

ClinVar aggregate classification (germline): Uncertain significance. Review status: criteria provided, multiple submitters, no conflicts (2 of 4 stars). 2 submissions from 2 submitters: Uncertain significance (2). Last evaluated 2024-12-12.

Conditions:
Inborn genetic diseases. Identifiers: MedGen C0950123, MeSH D030342.

gnomAD v4.1: 5 of 1,612,766 alleles (0.00031%); highest among the groups gnomAD compares: African/African-American, 0.0067%; no homozygotes.

Submissions (2):

Ambry Genetics
Classification: Uncertain significance for Inborn genetic diseases. Last evaluated: 2024-12-12. Review status: criteria provided, single submitter. Criteria: Ambry Variant Classification Scheme 2023. Collection method: clinical testing. Allele origin: germline.

GeneDx
Classification: Uncertain significance. Last evaluated: 2024-11-15. Review status: criteria provided, single submitter. Criteria: GeneDx Variant Classification Process June 2021. Collection method: clinical testing. Allele origin: germline. Affected: yes.
Comment: In silico analysis indicates that this missense variant does not alter protein structure/function; Has not been previously published as pathogenic or benign to our knowledge

NM_022124.6(CDH23):c.2815C>G (p.Leu939Val)

Gene: CDH23 (cadherin related 23; plus strand). Cytogenetic location: 10q22.1.
Variant type: single nucleotide variant.
Coding change: c.2815C>G on transcript NM_022124.6 (MANE Select); coding-DNA position 2815, C replaced by G.
Protein change: p.Leu939Val; replaces leucine 939 with valine.
Molecular consequence: missense variant.
Genome position (GRCh38, 1-based): chr10:71,704,992, C>G. VCF-style: chr10-71704992-C-G. GRCh37 (hg19) VCF-style: chr10-73464749-C-G.
Other names: c.2815C>G, p.Leu939Val (NM_001171930.2, NM_001171931.2); short protein forms L939V.
Identifiers: ClinVar variation 3830121 (VCV003830121.2).
Genomic context (GRCh38, chr10:71,704,992, plus strand): 5'-GAGGGCCTGAACGGCCTGGTGTCCTACCGCATGCCGGTGGGCATGCCCCGCATGGACTTC[C>G]TCATCAACAGCAGCAGCGGCGTGGTGGTCACCACCACCGAGCTGGACCGCGAGCGCATCG-3'
Protein context (NP_071407.4, residues 929-949): MPVGMPRMDF[Leu939Val]INSSSGVVVT